The following is an entry in ClinVar:

ClinVar aggregate classification (germline): Uncertain significance (1 of 4 stars; one submission).

Allele frequency attached by ClinVar (database versions not stated): TOPMed 0.00001; gnomAD 0.00002; ESP Exome Variant Server 0.00010.
gnomAD v4.1: 21 of 1,209,827 alleles (0.0017%); highest among the groups gnomAD compares: East Asian, 0.0059%; no homozygotes.

Submission:

Labcorp Genetics (formerly Invitae), Labcorp
Classification: Uncertain significance. Last evaluated: 2022-04-17. Review status: criteria provided, single submitter. Criteria: Invitae Variant Classification Sherloc (09022015). Collection method: clinical testing. Allele origin: germline.
Comment: In summary, the available evidence is currently insufficient to determine the role of this variant in disease. Therefore, it has been classified as a Variant of Uncertain Significance. Algorithms developed to predict the effect of missense changes on protein structure and function (SIFT, PolyPhen-2, Align-GVGD) all suggest that this variant is likely to be tolerated. This variant has not been reported in the literature in individuals affected with USP9X-related conditions. This variant is present in population databases (rs377036436, gnomAD 0.006%), including at least one homozygous and/or hemizygous individual. This sequence change replaces asparagine, which is neutral and polar, with serine, which is neutral and polar, at codon 1150 of the USP9X protein (p.Asn1150Ser).

NM_001039591.3(USP9X):c.3449A>G (p.Asn1150Ser)

Gene: USP9X (ubiquitin specific peptidase 9 X-linked; plus strand). Cytogenetic location: Xp11.4.
Variant type: single nucleotide variant.
Coding change: c.3449A>G on transcript NM_001039591.3 (MANE Select); coding-DNA position 3449, A replaced by G.
Protein change: p.Asn1150Ser; replaces asparagine 1150 with serine.
Molecular consequence: missense variant.
Genome position (GRCh38, 1-based): chrX:41,184,566, A>G. VCF-style: chrX-41184566-A-G. GRCh37 (hg19) VCF-style: chrX-41043819-A-G.
Other names: c.3449A>G, p.Asn1150Ser (NM_001039590.3); c.3464A>G, p.Asn1155Ser (NM_001410748.1, NM_001410749.1); short protein forms N1155S, N1150S.
Identifiers: ClinVar variation 1907926 (VCV001907926.5), dbSNP rs377036436, ClinGen allele CA10388713.